The following is an entry in ClinVar:

ClinVar aggregate classification (germline): Likely pathogenic. Review status: criteria provided, single submitter (1 of 4 stars). 2 submissions from 2 submitters: Likely pathogenic (1). 1 of the submissions does not count toward it. Last evaluated 2025-07-14.

Conditions:
Epidermolysis bullosa dystrophica. Also called: Dystrophic epidermolysis bullosa, Hallopeau-Siemens type (formerly); Dystrophic epidermolysis bullosa. Identifiers: Orphanet 303, MedGen C0079294, MONDO:0006543.
Epidermolysis bullosa pruriginosa, autosomal dominant. Identifiers: MedGen C2675780.

Submissions (2):

Natera, Inc.
Classification: Likely pathogenic for Dystrophic epidermolysis bullosa. Last evaluated: 2025-07-14. Review status: criteria provided, single submitter. Criteria: Natera Variant Classification Schema (03/2026). Collection method: clinical testing. Allele origin: germline.
Comment: The c.6218G>T variant in COL7A1 is a missense variant predicted to cause substitution of glycine to valine at amino acid 2073. This variant is rare in the general population with a frequency below the threshold expected for the associated phenotype(s). This variant has been observed in affected individual(s) with monoallelic occurrence (heterozygous/hemizygous) (PMID: 16965329). A different variant at the same position has been determined to be Pathogenic or Likely Pathogenic. Computational prediction algorithms indicate this variant is likely to affect gene or protein function. Given the available evidence, this variant is classified as Likely Pathogenic.

OMIM
Classification: Pathogenic for EPIDERMOLYSIS BULLOSA PRURIGINOSA, AUTOSOMAL DOMINANT. Last evaluated: 2006-10-01. Review status: no assertion criteria provided. Collection method: literature only. Allele origin: germline. Not counted in ClinVar's aggregate classification.

Literature cited by the submitters: PubMed 16965329 (cited by Natera, Inc. and OMIM).

NM_000094.4(COL7A1):c.6218G>T (p.Gly2073Val)

Gene: COL7A1 (collagen type VII alpha 1 chain; minus strand). Cytogenetic location: 3p21.31.
Variant type: single nucleotide variant.
Coding change: c.6218G>T on transcript NM_000094.4 (MANE Select); coding-DNA position 6218, G replaced by T.
Protein change: p.Gly2073Val; replaces glycine 2073 with valine.
Molecular consequence: missense variant.
Genome position (GRCh38, 1-based): chr3:48,575,125, C>A on the plus strand (G>T on the coding strand, the complement: COL7A1 is on the minus strand). VCF-style: chr3-48575125-C-A. GRCh37 (hg19) VCF-style: chr3-48612558-C-A.
Other names: c.6218G>T (NM_000094.3); short protein forms G2073V.
Identifiers: ClinVar variation 17455 (VCV000017455.2), dbSNP rs121912848, ClinGen allele CA127202.